The following is an entry in ClinVar:

NM_001942.4(DSG1):c.1967_1970del (p.Leu656fs)

Genes: DSG1 (desmoglein 1; plus strand), DSG1-AS1 (DSG1 antisense RNA 1; minus strand). Cytogenetic location: 18q12.1.
Variant type: Deletion.
Coding change: c.1967_1970del on transcript NM_001942.4 (MANE Select); coding-DNA positions 1967 to 1970, 4 bases deleted (TAAC; older notation c.1967_1970delTAAC).
Protein change: p.Leu656fs; shifts the reading frame from leucine 656.
Molecular consequence: frameshift variant.
Genome position (GRCh38, 1-based): chr18:31,346,065-31,346,068, TAAC deleted; deleting any 4 consecutive bases within chr18:31,346,062-31,346,068 gives the same sequence; the c. name uses the placement nearest the transcript's 3' end. VCF-style (leftmost placement, unchanged base first): chr18-31346061-GAACT-G. GRCh37 (hg19) VCF-style: chr18-28926024-GAACT-G.
Other names: short protein forms L656fs.
Identifiers: ClinVar variation 5010290 (VCV005010290.1).

ClinVar aggregate classification (germline): Pathogenic (1 of 4 stars; one submission).

Conditions:
Ichthyosis and erythrokeratoderma.

Submission:

Genetics Laboratory, Great Ormond Street Hospital NHS Foundation Trust, North Thames Genomic Laboratory Hub
Classification: Pathogenic for Ichthyosis and erythrokeratoderma. Last evaluated: 2026-08-06. Review status: criteria provided, single submitter. Criteria: ACGS Best Practice Guidelines for Variant Classification in Rare Disease 2024 v1.2. Collection method: clinical testing. Allele origin: germline. Affected: yes.
Comment: PM2_moderate, PVS1_very-strong